The following is an entry in ClinVar:

ClinVar aggregate classification (germline): Uncertain significance (1 of 4 stars; one submission).

Conditions:
BBS12-related disorder. Also called: BBS12-related condition.

gnomAD v4.1: 4 of 1,614,126 alleles (0.00025%); highest among the groups gnomAD compares: Non-Finnish European, 0.00034%; no homozygotes.

Submission:

PreventionGenetics, part of Exact Sciences
Classification: Uncertain significance for BBS12-related condition. Last evaluated: 2025-11-19. Review status: criteria provided, single submitter. Criteria: ACMG Guidelines, 2015. Collection method: clinical testing. Allele origin: germline.
Comment: The BBS12 c.1583A>G variant is predicted to result in the amino acid substitution p.Tyr528Cys. To our knowledge, this variant has not been reported in the literature or in a large population database (gnomAD), indicating this variant is rare. At this time, the clinical significance of this variant is uncertain due to the absence of conclusive functional and genetic evidence.

NM_152618.3(BBS12):c.1583A>G (p.Tyr528Cys)

Gene: BBS12 (Bardet-Biedl syndrome 12; plus strand). Cytogenetic location: 4q27.
Variant type: single nucleotide variant.
Coding change: c.1583A>G on transcript NM_152618.3 (MANE Select); coding-DNA position 1583, A replaced by G.
Protein change: p.Tyr528Cys; replaces tyrosine 528 with cysteine.
Molecular consequence: missense variant.
Genome position (GRCh38, 1-based): chr4:122,743,475, A>G. VCF-style: chr4-122743475-A-G. GRCh37 (hg19) VCF-style: chr4-123664630-A-G.
Other names: c.1583A>G, p.Tyr528Cys (NM_001178007.2); short protein forms Y528C.
Identifiers: ClinVar variation 4988306 (VCV004988306.1).